The following is an entry in ClinVar:

ClinVar aggregate classification (germline): Uncertain significance (1 of 4 stars; one submission).

Allele frequency attached by ClinVar (database versions not stated): gnomAD exomes below 0.00001.
gnomAD v4.1: 1 of 1,610,366 alleles (0.000062%); highest among the groups gnomAD compares: Non-Finnish European, 0.000085%; no homozygotes.

Submission:

Ambry Genetics
Classification: Uncertain significance. Last evaluated: 2024-01-30. Review status: criteria provided, single submitter. Criteria: Ambry Variant Classification Scheme 2023. Collection method: clinical testing. Allele origin: germline.
Comment: The p.Q32R variant (also known as c.95A>G), located in coding exon 1 of the POLQ gene, results from an A to G substitution at nucleotide position 95. The glutamine at codon 32 is replaced by arginine, an amino acid with highly similar properties. This amino acid position is conserved. In addition, this alteration is predicted to be tolerated by in silico analysis. Based on the available evidence, the clinical significance of this alteration remains unclear.

NM_199420.4(POLQ):c.95A>G (p.Gln32Arg)

Genes: POLQ (DNA polymerase theta; minus strand), LOC112872292 (Sharpr-MPRA regulatory region 30; plus strand). Cytogenetic location: 3q13.33.
Variant type: single nucleotide variant.
Coding change: c.95A>G on transcript NM_199420.4 (MANE Select); coding-DNA position 95, A replaced by G.
Protein change: p.Gln32Arg; replaces glutamine 32 with arginine.
Molecular consequence: missense variant.
Genome position (GRCh38, 1-based): chr3:121,545,783, T>C on the plus strand (A>G on the coding strand, the complement: POLQ is on the minus strand). VCF-style: chr3-121545783-T-C. GRCh37 (hg19) VCF-style: chr3-121264630-T-C.
Other names: short protein forms Q32R.
Identifiers: ClinVar variation 3230187 (VCV003230187.1), dbSNP rs1362873041, ClinGen allele CA354097230.